The following is an entry in ClinVar:

NM_004415.4(DSP):c.1901C>A (p.Thr634Lys)

Gene: DSP (desmoplakin; plus strand). Cytogenetic location: 6p24.3.
Variant type: single nucleotide variant.
Coding change: c.1901C>A on transcript NM_004415.4 (MANE Select); coding-DNA position 1901, C replaced by A.
Protein change: p.Thr634Lys; replaces threonine 634 with lysine.
Molecular consequence: missense variant.
Genome position (GRCh38, 1-based): chr6:7,571,582, C>A. VCF-style: chr6-7571582-C-A. GRCh37 (hg19) VCF-style: chr6-7571815-C-A.
Other names: c.1901C>A, p.Thr634Lys (NM_001008844.3, NM_001319034.2); short protein forms T634K.
Identifiers: ClinVar variation 848420 (VCV000848420.8), dbSNP rs139964486, ClinGen allele CA030362.

ClinVar aggregate classification (germline): Uncertain significance. Review status: criteria provided, multiple submitters, no conflicts (2 of 4 stars). 2 submissions from 2 submitters: Uncertain significance (2). Last evaluated 2023-02-24.

Conditions:
Arrhythmogenic right ventricular dysplasia 8 (ARVD8). Also called: ARRHYTHMOGENIC RIGHT VENTRICULAR DYSPLASIA, FAMILIAL, 8; ARRHYTHMOGENIC RIGHT VENTRICULAR CARDIOMYOPATHY 8; Arrhythmogenic Right Ventricular Dysplasia/Cardiomyopathy 8. Identifiers: MedGen C1843896, MONDO:0011831, OMIM 607450.
Arrhythmogenic cardiomyopathy with wooly hair and keratoderma. Also called: Carvajal syndrome; Dilated cardiomyopathy with woolly hair and keratoderma; PALMOPLANTAR KERATODERMA WITH LEFT VENTRICULAR CARDIOMYOPATHY AND WOOLLY HAIR; Arrhythmogenic cardiomyopathy with woolly hair and keratoderma. Identifiers: Orphanet 65282, MedGen C1854063, MONDO:0011581, OMIM 605676.

Allele frequency attached by ClinVar (database versions not stated): gnomAD exomes below 0.00001.
gnomAD v4.1: 2 of 1,614,164 alleles (0.00012%); highest among the groups gnomAD compares: Non-Finnish European, 0.00017%; no homozygotes.

Submissions (2):

All of Us Research Program, National Institutes of Health
Classification: Uncertain significance for Arrhythmogenic cardiomyopathy with wooly hair and keratoderma. Last evaluated: 2023-02-24. Review status: criteria provided, single submitter. Criteria: ACMG Guidelines, 2015. Collection method: clinical testing. Allele origin: germline. Inheritance: Autosomal dominant inheritance. Observed: 1 variant allele, 1 heterozygote.
Comment: This missense variant replaces threonine with lysine at codon 634 of the DSP protein. Computational prediction suggests that this variant may not impact protein structure and function (internally defined REVEL score threshold <= 0.5, PMID: 27666373). To our knowledge, functional studies have not been reported for this variant. This variant has not been reported in individuals affected with DSP-related disorders in the literature. This variant has been identified in 1/251002 chromosomes in the general population by the Genome Aggregation Database (gnomAD). The available evidence is insufficient to determine the role of this variant in disease conclusively. Therefore, this variant is classified as a Variant of Uncertain Significance.

This study involves interpretation of variants in research participants for the purpose of population health screening. Participant phenotype was not available at the time of variant classification. Additional details can be found in publication PMID: 35346344, PMCID: PMC8962531

Labcorp Genetics (formerly Invitae), Labcorp
Classification: Uncertain significance for Arrhythmogenic cardiomyopathy with wooly hair and keratoderma; Arrhythmogenic right ventricular dysplasia 8. Last evaluated: 2021-08-28. Review status: criteria provided, single submitter. Criteria: Invitae Variant Classification Sherloc (09022015). Collection method: clinical testing. Allele origin: germline.
Comment: This sequence change replaces threonine with lysine at codon 634 of the DSP protein (p.Thr634Lys). The threonine residue is moderately conserved and there is a moderate physicochemical difference between threonine and lysine. This variant is present in population databases (rs139964486, ExAC 0.01%). This variant has not been reported in the literature in individuals affected with DSP-related conditions. Algorithms developed to predict the effect of missense changes on protein structure and function (SIFT, PolyPhen-2, Align-GVGD) all suggest that this variant is likely to be tolerated. In summary, the available evidence is currently insufficient to determine the role of this variant in disease. Therefore, it has been classified as a Variant of Uncertain Significance.